The following is an entry in ClinVar:

ClinVar aggregate classification (germline): Uncertain significance (1 of 4 stars; one submission).

Submission:

Labcorp Genetics (formerly Invitae), Labcorp
Classification: Uncertain significance. Last evaluated: 2022-08-16. Review status: criteria provided, single submitter. Criteria: Invitae Variant Classification Sherloc (09022015). Collection method: clinical testing. Allele origin: germline.
Comment: This variant, c.1408_1410del, results in the deletion of 1 amino acid(s) of the PCLO protein (p.Pro470del), but otherwise preserves the integrity of the reading frame. This variant is not present in population databases (gnomAD no frequency). This variant has not been reported in the literature in individuals affected with PCLO-related conditions. Experimental studies and prediction algorithms are not available or were not evaluated, and the functional significance of this variant is currently unknown. In summary, the available evidence is currently insufficient to determine the role of this variant in disease. Therefore, it has been classified as a Variant of Uncertain Significance.

NM_033026.6(PCLO):c.1405CCT[1] (p.Pro470del)

Gene: PCLO (piccolo presynaptic cytomatrix protein; minus strand). Cytogenetic location: 7q21.11.
Variant type: Microsatellite.
Coding change: c.1405CCT[1] on transcript NM_033026.6 (MANE Select); one copy of the 3-base unit CCT starting at c.1405; the reference has two copies in a row; one copy, 3 bases deleted.
Protein change: p.Pro470del; deletes proline 470.
Molecular consequence: inframe deletion.
Genome position (GRCh38, 1-based): chr7:83,155,231-83,155,233, AGG deleted on the plus strand (CCT on the coding strand, the reverse complement: PCLO is on the minus strand); deleting any 3 consecutive bases within chr7:83,155,231-83,155,236 gives the same sequence; the position shown is the placement nearest the transcript's 3' end. VCF-style (leftmost placement, unchanged base first): chr7-83155230-AAGG-A. GRCh37 (hg19) VCF-style: chr7-82784546-AAGG-A.
Other names: c.1405CCT[1], p.Pro470del (NM_014510.3); short protein forms P470del.
Identifiers: ClinVar variation 1498413 (VCV001498413.3), dbSNP rs1792247457, ClinGen allele CA456343353.
Genomic context (GRCh38, chr7:83,155,230, plus strand): 5'-GTGGGGGCTTTGCTGGGCCAGGCTGTTGAGGTGGGGGCTTTGCTGGGCCAGGCAGTTGTG[AAGG>A]AGGCTTTGTTGGGCCAGTCTGCTGGGCAGAAGTCTTTCCGGGTCCTGCCTGTTGAGCTGG-3'